The following is an entry in ClinVar:

ClinVar aggregate classification (germline): Uncertain significance. Review status: criteria provided, multiple submitters, no conflicts (2 of 4 stars). 2 submissions from 2 submitters: Uncertain significance (2). Last evaluated 2023-07-28.

Conditions:
Hereditary cancer-predisposing syndrome. Also called: Hereditary Cancer Syndrome; Hereditary neoplastic syndrome; Neoplastic Syndromes, Hereditary; Tumor predisposition. Identifiers: Orphanet 140162, MedGen C0027672, MeSH D009386, MONDO:0015356.

Allele frequency attached by ClinVar (database versions not stated): gnomAD exomes below 0.00001.
gnomAD v4.1: 1 of 1,614,176 alleles (0.000062%); highest among the groups gnomAD compares: Non-Finnish European, 0.000085%; no homozygotes.

Submissions (2):

Labcorp Genetics (formerly Invitae), Labcorp
Classification: Uncertain significance. Last evaluated: 2023-07-28. Review status: criteria provided, single submitter. Criteria: Invitae Variant Classification Sherloc (09022015). Collection method: clinical testing. Allele origin: germline.
Comment: In summary, the available evidence is currently insufficient to determine the role of this variant in disease. Therefore, it has been classified as a Variant of Uncertain Significance. Advanced modeling of protein sequence and biophysical properties (such as structural, functional, and spatial information, amino acid conservation, physicochemical variation, residue mobility, and thermodynamic stability) has been performed at Invitae for this missense variant, however the output from this modeling did not meet the statistical confidence thresholds required to predict the impact of this variant on CTNNA1 protein function. ClinVar contains an entry for this variant (Variation ID: 1775217). This variant has not been reported in the literature in individuals affected with CTNNA1-related conditions. This variant is not present in population databases (gnomAD no frequency). This sequence change replaces leucine, which is neutral and non-polar, with tryptophan, which is neutral and slightly polar, at codon 520 of the CTNNA1 protein (p.Leu520Trp).

Ambry Genetics
Classification: Uncertain significance for Hereditary cancer-predisposing syndrome. Last evaluated: 2022-10-10. Review status: criteria provided, single submitter. Criteria: Ambry Variant Classification Scheme 2023. Collection method: clinical testing. Allele origin: germline.
Comment: The p.L520W variant (also known as c.1559T>G), located in coding exon 11 of the CTNNA1 gene, results from a T to G substitution at nucleotide position 1559. The leucine at codon 520 is replaced by tryptophan, an amino acid with similar properties. This amino acid position is conserved. In addition, the in silico prediction for this alteration is inconclusive. Since supporting evidence is limited at this time, the clinical significance of this alteration remains unclear.

NM_001903.5(CTNNA1):c.1559T>G (p.Leu520Trp)

Gene: CTNNA1 (catenin alpha 1; plus strand). Cytogenetic location: 5q31.2.
Variant type: single nucleotide variant.
Coding change: c.1559T>G on transcript NM_001903.5 (MANE Select); coding-DNA position 1559, T replaced by G.
Protein change: p.Leu520Trp; replaces leucine 520 with tryptophan.
Molecular consequence: missense variant.
Genome position (GRCh38, 1-based): chr5:138,924,522, T>G. VCF-style: chr5-138924522-T-G. GRCh37 (hg19) VCF-style: chr5-138260211-T-G.
Other names: c.1559T>G, p.Leu520Trp (NM_001290307.3, NM_001323982.2, NM_001323983.1 and 2 more transcripts); c.1250T>G, p.Leu417Trp (NM_001290309.3); c.1190T>G, p.Leu397Trp (NM_001290310.3); c.449T>G, p.Leu150Trp (NM_001290312.1, NM_001323987.1, NM_001323988.1 and 17 more transcripts); c.1466T>G, p.Leu489Trp (NM_001323986.2); c.110T>G, p.Leu37Trp (NM_001324006.1, NM_001324007.1, NM_001324008.1 and 2 more transcripts); c.356T>G, p.Leu119Trp (NM_001324011.1); c.206T>G, p.Leu69Trp (NM_001324012.1, NM_001324013.1); short protein forms L150W, L37W, L489W, L520W, L69W, L397W, L119W, L417W.
Identifiers: ClinVar variation 1775217 (VCV001775217.5), dbSNP rs2533707006, ClinGen allele CA361131698.
Genomic context (GRCh38, chr5:138,924,522, plus strand): 5'-TTTCATAGAAAGCCTCCTTCCTCATTCAACTTTTTGCTTGTTCTCCAGAGAATCACATTT[T>G]GGAAGATGTGAACAAATGTGTCATTGCTCTCCAAGAGAAGGATGTGGATGGCCTGGACCG-3'
Protein context (NP_001894.2, residues 510-530): DFLAVSENHI[Leu520Trp]EDVNKCVIAL